The following is an entry in ClinVar:

NM_213599.3(ANO5):c.2520+5G>A

Gene: ANO5 (anoctamin 5; plus strand). Cytogenetic location: 11p14.3.
Variant type: single nucleotide variant.
Coding change: c.2520+5G>A on transcript NM_213599.3 (MANE Select); 5 bases into the intron after coding-DNA position 2520, G replaced by A.
Molecular consequence: intron variant.
Genome position (GRCh38, 1-based): chr11:22,276,204, G>A. VCF-style: chr11-22276204-G-A. GRCh37 (hg19) VCF-style: chr11-22297750-G-A.
Other names: c.2517+5G>A (NM_001142649.2).
Identifiers: ClinVar variation 594612 (VCV000594612.13), dbSNP rs1564954182, ClinGen allele CA913190245.

ClinVar aggregate classification (germline): Uncertain significance. Review status: criteria provided, multiple submitters, no conflicts (2 of 4 stars). 2 submissions from 2 submitters: Uncertain significance (2). Last evaluated 2025-09-02.

Conditions:
Autosomal recessive limb-girdle muscular dystrophy type 2L (LGMDR12). Also called: MUSCULAR DYSTROPHY, LIMB-GIRDLE, AUTOSOMAL RECESSIVE 12; Limb-girdle muscular dystrophy, type 2L; Limb-Girdle Muscular Dystrophy R12 Anoctamin-5-Related (LGMD-R12). Identifiers: Orphanet 206549, MedGen C1969785, MONDO:0012652, OMIM 611307.
Gnathodiaphyseal dysplasia (GDD). Also called: GNATHODIAPHYSEAL SCLEROSIS; OSTEOGENESIS IMPERFECTA WITH UNUSUAL SKELETAL LESIONS. Identifiers: Orphanet 53697, MedGen C1833736, MONDO:0008151, OMIM 166260.

Allele frequency attached by ClinVar (database versions not stated): gnomAD exomes below 0.00001.
gnomAD v4.1: 3 of 1,597,840 alleles (0.00019%); highest among the groups gnomAD compares: Non-Finnish European, 0.00017%; no homozygotes.

Submissions (2):

Labcorp Genetics (formerly Invitae), Labcorp
Classification: Uncertain significance for Autosomal recessive limb-girdle muscular dystrophy type 2L; Gnathodiaphyseal dysplasia. Last evaluated: 2025-09-02. Review status: criteria provided, single submitter. Criteria: Invitae Variant Classification Sherloc (09022015). Collection method: clinical testing. Allele origin: germline.
Comment: This sequence change falls in intron 21 of the ANO5 gene. It does not directly change the encoded amino acid sequence of the ANO5 protein. It affects a nucleotide within the consensus splice site. This variant is not present in population databases (gnomAD no frequency). This variant has been observed in individual(s) with clinical features of limb-girdle muscular dystrophy (internal data). In at least one individual the data is consistent with being in trans (on the opposite chromosome) from a pathogenic variant. ClinVar contains an entry for this variant (Variation ID: 594612). Variants that disrupt the consensus splice site are a relatively common cause of aberrant splicing (PMID: 17576681, 9536098). Algorithms developed to predict the effect of sequence changes on RNA splicing suggest that this variant may disrupt the consensus splice site. In summary, the available evidence is currently insufficient to determine the role of this variant in disease. Therefore, it has been classified as a Variant of Uncertain Significance.

Eurofins Ntd Llc (ga)
Classification: Uncertain significance. Last evaluated: 2017-10-25. Review status: criteria provided, single submitter. Criteria: EGL Classification Definitions 2015. Collection method: clinical testing. Allele origin: germline. Observed: 1 variant allele, 1 heterozygote.

Literature cited by the submitters: PubMed 17576681 (cited by Labcorp Genetics (formerly Invitae), Labcorp); PubMed 9536098 (cited by Labcorp Genetics (formerly Invitae), Labcorp).